The following is an entry in ClinVar:

NM_001519.4(BRF1):c.776C>T (p.Thr259Met)

Gene: BRF1 (BRF1 general transcription factor IIIB subunit; minus strand). Cytogenetic location: 14q32.33.
Variant type: single nucleotide variant.
Coding change: c.776C>T on transcript NM_001519.4 (MANE Select); coding-DNA position 776, C replaced by T.
Protein change: p.Thr259Met; replaces threonine 259 with methionine.
Molecular consequence: missense variant.
Genome position (GRCh38, 1-based): chr14:105,228,832, G>A on the plus strand (C>T on the coding strand, the complement: BRF1 is on the minus strand). VCF-style: chr14-105228832-G-A. GRCh37 (hg19) VCF-style: chr14-105695169-G-A.
Other names: BRF1, THR259MET (rs373957300); c.431C>T, p.Thr144Met (NM_001242786.2, NM_001242787.2); c.695C>T, p.Thr232Met (NM_001242788.2); c.62C>T, p.Thr21Met (NM_001242789.2); c.164C>T, p.Thr55Met (NM_145685.3); short protein forms T144M, T259M, T232M, T21M, T55M.
Identifiers: ClinVar variation 161424 (VCV000161424.16), dbSNP rs373957300, ClinGen allele CA174014.

ClinVar aggregate classification (germline): Conflicting classifications of pathogenicity. Review status: criteria provided, conflicting classifications (1 of 4 stars). 6 submissions from 6 submitters: Pathogenic (1); Likely pathogenic (1); Uncertain significance (1). 3 of the submissions do not count toward it. Last evaluated 2022-08-19.

Conditions:
BRF1-related disorder. Also called: BRF1-related condition.
Inborn genetic diseases. Identifiers: MedGen C0950123, MeSH D030342.
Cerebellar-facial-dental syndrome. Also called: Cerebellofaciodental syndrome. Identifiers: Orphanet 444072, MedGen C4015495, MONDO:0014529, OMIM 616202.

Allele frequency attached by ClinVar (database versions not stated): gnomAD exomes 0.00001 and 0.00002; ExAC 0.00002; TOPMed 0.00002; gnomAD 0.00003; ESP Exome Variant Server 0.00008.
gnomAD v4.1: 17 of 1,613,762 alleles (0.0011%); highest among the groups gnomAD compares: Admixed American, 0.0067%; no homozygotes.

Submissions (6):

Blueprint Genetics
Classification: Pathogenic for BRF1-related disorders. Last evaluated: 2022-08-19. Review status: criteria provided, single submitter. Criteria: ACMG Guidelines, 2015. Collection method: clinical testing. Allele origin: germline. Affected: yes. Observed: 2 variant alleles.

Ambry Genetics
Classification: Likely pathogenic for Inborn genetic diseases. Last evaluated: 2021-04-26. Review status: criteria provided, single submitter. Criteria: Ambry Variant Classification Scheme 2023. Collection method: clinical testing. Allele origin: germline.
Comment: The c.776C>T (p.T259M) alteration is located in coding exon 7 of the BRF1 gene. This alteration results from a C to T substitution at nucleotide position 776, causing the threonine (T) at amino acid position 259 to be replaced by a methionine (M). Based on data from the Genome Aggregation Database (gnomAD) database, the BRF1 c.776C>T alteration was observed in 0.0021% (6/282678) of total alleles studied, with a frequency of 0.012% (3/25070) in the European (Finnish) subpopulation. This alteration was observed to occur in trans with another missense variant in two individuals from one family who presented with clinical features of cerebrofaciodental syndrome including microcephaly, short stature, mild intellectual disability, facial dysmorphism, dental anomalies, scoliosis, delayed bone age, cardiac anomalies, and brain anomalies (Borck, 2015). The p.T259 amino acid is conserved in available vertebrate species. Yeast cells with the p.T259M alteration were observed to decrease promoter binding of Pol III at several tRNA sites and decrease transcription output as compared to yeast with wildtype protein (Borck, 2015). The p.T259M alteration is predicted to be deleterious by in silico analysis. Based on the available evidence, this alteration is classified as likely pathogenic.

Labcorp Genetics (formerly Invitae), Labcorp
Classification: Uncertain significance. Last evaluated: 2017-10-06. Review status: criteria provided, single submitter. Criteria: Invitae Variant Classification Sherloc (09022015). Collection method: clinical testing. Allele origin: germline.
Comment: In summary, the available evidence is currently insufficient to determine the role of this variant in disease. Therefore, it has been classified as a Variant of Uncertain Significance. Experimental studies in zebrafish, yeast and in vitro have shown that this missense change partially disrupts BRF1 protein function (PMID: 25561519). This variant has been reported to segregate with short stature, microcephaly, intellectual disability and characteristic facial dysmorphology in a single family (PMID: 25561519). ClinVar contains an entry for this variant (Variation ID: 161424). This variant is present in population databases (rs373957300, ExAC 0.003%). This sequence change replaces threonine with methionine at codon 259 of the BRF1 protein (p.Thr259Met). The threonine residue is highly conserved and there is a moderate physicochemical difference between threonine and methionine.

Tgen's Center for Rare Childhood Disorders, Translational Genomics Research Institute (tgen)
Classification: Pathogenic for Cerebellar-facial-dental syndrome. Last evaluated: 2021-05-10. Review status: no assertion criteria provided. Collection method: research. Allele origin: germline. Inheritance: Autosomal recessive inheritance. Affected: yes. Not counted in ClinVar's aggregate classification.
Comment: The p.Thr259Met variant was found in a research study in a compound heterozygous state with the variant c.793_794delACinsCATTTA, p.Thr265HisfsX5 (T265HfsX5). The p.Thr259Met variant was previously described in affected siblings in a compound heterozygous state by Borck et al. (2015).

OMIM
Classification: Pathogenic for CEREBELLOFACIODENTAL SYNDROME. Last evaluated: 2015-01-05. Review status: no assertion criteria provided. Collection method: literature only. Allele origin: germline. Not counted in ClinVar's aggregate classification.

Institute of Human Genetics, University of Ulm
Classification: Pathogenic for cerebellar-facial-dental syndrome. Last evaluated: 2014-12-04. Review status: no assertion criteria provided. Collection method: research. Allele origin: germline. Inheritance: Autosomal recessive inheritance. Affected: yes. Observed: 2 variant alleles, 2 compound heterozygotes. Clinical features observed: short stature, microcephaly, intellectual disability, cerebellar hypoplasia, prominent incisors, taurodontism, facial dysmorphisms. Not counted in ClinVar's aggregate classification.

Literature cited by the submitters: PubMed 25561519 (cited by 4 submitters).